The following is an entry in ClinVar:

ClinVar aggregate classification (germline): Pathogenic (1 of 4 stars; one submission).

Conditions:
Hereditary cancer-predisposing syndrome. Also called: Tumor predisposition; Hereditary neoplastic syndrome; Hereditary Cancer Syndrome; Neoplastic Syndromes, Hereditary. Identifiers: Orphanet 140162, MedGen C0027672, MeSH D009386, MONDO:0015356.

Submission:

Ambry Genetics
Classification: Pathogenic for Hereditary cancer-predisposing syndrome. Last evaluated: 2025-05-22. Review status: criteria provided, single submitter. Criteria: Ambry Variant Classification Scheme 2023. Collection method: clinical testing. Allele origin: germline.
Comment: The c.2021_2036dup16 variant, located in coding exon 18 of the TSC2 gene, results from a duplication of CTGCAGGCCCCGCCGT at nucleotide position 2021, causing a translational frameshift with a predicted alternate stop codon (p.R680Cfs*28). This variant is considered to be rare based on population cohorts in the Genome Aggregation Database (gnomAD). This alteration is expected to result in loss of function by premature protein truncation or nonsense-mediated mRNA decay. As such, this alteration is interpreted as a disease-causing mutation.

NM_000548.5(TSC2):c.2021_2036dup (p.Arg680fs)

Gene: TSC2 (TSC complex subunit 2; plus strand). Cytogenetic location: 16p13.3.
Variant type: Duplication.
Coding change: c.2021_2036dup on transcript NM_000548.5 (MANE Select); coding-DNA positions 2021 to 2036, 16 bases duplicated (CTGCAGGCCCCGCCGT).
Protein change: p.Arg680fs; shifts the reading frame from arginine 680.
Molecular consequence: frameshift variant. On other transcripts: non-coding transcript variant (5).
Genome position (GRCh38, 1-based): chr16:2,071,858-2,071,873, CTGCAGGCCCCGCCGT duplicated. VCF-style (leftmost placement, unchanged base first): chr16-2071857-C-CCTGCAGGCCCCGCCGT. GRCh37 (hg19) VCF-style: chr16-2121858-C-CCTGCAGGCCCCGCCGT.
Other names: c.2021_2036dupCTGCAGGCCCCGCCGT (NM_000548.3); c.2021_2036dup, p.Arg680fs (NM_021055.3, NM_001077183.3, NM_001114382.3 and 6 more transcripts); c.1910_1925dup, p.Arg643fs (NM_001318827.2, NM_001406678.1, NM_001406670.1); c.1874_1889dup, p.Arg631fs (NM_001318829.2, NM_001406675.1, NM_001406676.1 and 1 more transcripts); c.1421_1436dup, p.Arg480fs (NM_001318831.2, NM_001406680.1, NM_001406682.1 and 6 more transcripts); c.2054_2069dup, p.Arg691fs (NM_001318832.2); c.1964_1979dup, p.Arg661fs (NM_001406677.1); c.1559_1574dup, p.Arg526fs (NM_001406681.1); and 4 more; short protein forms R676fs, R710fs, R661fs, R680fs, R691fs, R232fs, R643fs, R146fs.
Identifiers: ClinVar variation 3974685 (VCV003974685.1).